The following is an entry in ClinVar:

NM_001430.5(EPAS1):c.1394C>G (p.Pro465Arg)

Gene: EPAS1 (endothelial PAS domain protein 1; plus strand). Cytogenetic location: 2p21.
Variant type: single nucleotide variant.
Coding change: c.1394C>G on transcript NM_001430.5 (MANE Select); coding-DNA position 1394, C replaced by G.
Protein change: p.Pro465Arg; replaces proline 465 with arginine.
Molecular consequence: missense variant.
Genome position (GRCh38, 1-based): chr2:46,378,038, C>G. VCF-style: chr2-46378038-C-G. GRCh37 (hg19) VCF-style: chr2-46605177-C-G.
Other names: short protein forms P465R.
Identifiers: ClinVar variation 3221546 (VCV003221546.1), dbSNP rs199710213, ClinGen allele CA346703989.

ClinVar aggregate classification (germline): Uncertain significance (1 of 4 stars; one submission).

Conditions:
Inborn genetic diseases. Identifiers: MedGen C0950123, MeSH D030342.

gnomAD v4.1: 1 of 1,605,708 alleles (0.000062%); highest among the groups gnomAD compares: East Asian, 0.0022%; no homozygotes.

Submission:

Ambry Genetics
Classification: Uncertain significance for Inborn genetic diseases. Last evaluated: 2023-09-17. Review status: criteria provided, single submitter. Criteria: Ambry Variant Classification Scheme 2023. Collection method: clinical testing. Allele origin: germline.
Comment: The p.P465R variant (also known as c.1394C>G), located in coding exon 10 of the EPAS1 gene, results from a C to G substitution at nucleotide position 1394. The proline at codon 465 is replaced by arginine, an amino acid with dissimilar properties. This amino acid position is conserved. In addition, this alteration is predicted to be tolerated by in silico analysis. Since supporting evidence is limited at this time, the clinical significance of this alteration remains unclear.